The following is an entry in ClinVar:

ClinVar aggregate classification (germline): Likely pathogenic. Review status: criteria provided, multiple submitters, no conflicts (2 of 4 stars). 2 submissions from 2 submitters: Likely pathogenic (2). Last evaluated 2021-03-29.

Conditions:
Familial dysautonomia. Also called: HSAN III; FD. Identifiers: Orphanet 1764, MedGen C0013364, MONDO:0009131, OMIM 223900. Disease mechanism: loss of function.

Submissions (2):

Women's Health and Genetics/Laboratory Corporation of America, LabCorp
Classification: Likely pathogenic for Familial dysautonomia. Last evaluated: 2021-03-29. Review status: criteria provided, single submitter. Criteria: LabCorp Variant Classification Summary - May 2015. Collection method: clinical testing. Allele origin: germline.
Comment: Variant summary: IKBKAP (also known as ELP1) c.954_958+7del12 spans the canonical splice-site and is predicted to affect mRNA splicing resulting in a significantly altered protein due to either exon skipping, shortening, or inclusion of intronic material. Several computational tools predict a significant impact on normal splicing: Four predict the variant abolishes the canonical 5' splicing donor site. However, these predictions have yet to be confirmed by functional studies. The variant was absent in 251456 control chromosomes. To our knowledge, no occurrence of c.954_958+7del12 in individuals affected with Familial Dysautonomia and no experimental evidence demonstrating its impact on protein function have been reported. No clinical diagnostic laboratories have submitted clinical-significance assessments for this variant to ClinVar after 2014. Based on the evidence outlined above, the variant was classified as likely pathogenic.

Labcorp Genetics (formerly Invitae), Labcorp
Classification: Likely pathogenic. Last evaluated: 2020-12-02. Review status: criteria provided, single submitter. Criteria: Invitae Variant Classification Sherloc (09022015). Collection method: clinical testing. Allele origin: germline.
Comment: In summary, the currently available evidence indicates that the variant is pathogenic, but additional data are needed to prove that conclusively. Therefore, this variant has been classified as Likely Pathogenic. This variant has not been reported in the literature in individuals with ELP1-related conditions. This variant is not present in population databases (ExAC no frequency). This variant results in the deletion of part of exon 10 (c.954_958+7del) of the ELP1 gene. It is expected to disrupt RNA splicing. Variants that disrupt the donor or acceptor splice site typically lead to a loss of protein function (PMID: 16199547), and loss-of-function variants in ELP1 are known to be pathogenic (PMID: 18303054, 24173031).

Literature cited by the submitters: PubMed 16199547 (cited by Labcorp Genetics (formerly Invitae), Labcorp); PubMed 18303054 (cited by Labcorp Genetics (formerly Invitae), Labcorp); PubMed 24173031 (cited by Labcorp Genetics (formerly Invitae), Labcorp).

NM_003640.5(ELP1):c.954_958+7del

Gene: ELP1 (elongator acetyltransferase complex subunit 1; minus strand). Cytogenetic location: 9q31.3.
Variant type: Deletion.
Coding change: c.954_958+7del on transcript NM_003640.5 (MANE Select); coding-DNA position 954 through 7 bases into the intron after coding-DNA position 958, 12 bases deleted (CTGTGGTAAGAC).
Molecular consequence: splice donor variant.
Genome position (GRCh38, 1-based): chr9:108,916,197-108,916,208, GTCTTACCACAG deleted on the plus strand (CTGTGGTAAGAC on the coding strand, the reverse complement: ELP1 is on the minus strand); deleting any 12 consecutive bases within chr9:108,916,197-108,916,210 gives the same sequence; the c. name uses the placement nearest the transcript's 3' end. VCF-style (leftmost placement, unchanged base first): chr9-108916196-TGTCTTACCACAG-T. GRCh37 (hg19) VCF-style: chr9-111678476-TGTCTTACCACAG-T.
Other names: c.612_616+7del (NM_001318360.2); c.-94_-90+7del (NM_001330749.2).
Identifiers: ClinVar variation 1050828 (VCV001050828.7), dbSNP rs2132025021, ClinGen allele CA2499219559.